The following is an entry in ClinVar:

ClinVar aggregate classification (germline): Uncertain significance (1 of 4 stars; one submission).

Submission:

Labcorp Genetics (formerly Invitae), Labcorp
Classification: Uncertain significance. Last evaluated: 2023-12-24. Review status: criteria provided, single submitter. Criteria: Invitae Variant Classification Sherloc (09022015). Collection method: clinical testing. Allele origin: germline.
Comment: This sequence change replaces proline, which is neutral and non-polar, with arginine, which is basic and polar, at codon 2102 of the ARID1A protein (p.Pro2102Arg). This variant is not present in population databases (gnomAD no frequency). This variant has not been reported in the literature in individuals affected with ARID1A-related conditions. Advanced modeling of protein sequence and biophysical properties (such as structural, functional, and spatial information, amino acid conservation, physicochemical variation, residue mobility, and thermodynamic stability) performed at Invitae indicates that this missense variant is expected to disrupt ARID1A protein function with a positive predictive value of 80%. In summary, the available evidence is currently insufficient to determine the role of this variant in disease. Therefore, it has been classified as a Variant of Uncertain Significance.

NM_006015.6(ARID1A):c.6305C>G (p.Pro2102Arg)

Gene: ARID1A (AT-rich interaction domain 1A; plus strand). Cytogenetic location: 1p36.11.
Variant type: single nucleotide variant.
Coding change: c.6305C>G on transcript NM_006015.6 (MANE Select); coding-DNA position 6305, C replaced by G.
Protein change: p.Pro2102Arg; replaces proline 2102 with arginine.
Molecular consequence: missense variant.
Genome position (GRCh38, 1-based): chr1:26,780,203, C>G. VCF-style: chr1-26780203-C-G. GRCh37 (hg19) VCF-style: chr1-27106694-C-G.
Other names: c.5654C>G, p.Pro1885Arg (NM_139135.4); short protein forms P2102R, P1885R.
Identifiers: ClinVar variation 2705229 (VCV002705229.3), dbSNP rs2124147752, ClinGen allele CA339191561.